The following is an entry in ClinVar:

NM_138817.3(SLC7A13):c.154G>A (p.Val52Ile)

Gene: SLC7A13 (solute carrier family 7 member 13; minus strand). Cytogenetic location: 8q21.3.
Variant type: single nucleotide variant.
Coding change: c.154G>A on transcript NM_138817.3 (MANE Select); coding-DNA position 154, G replaced by A.
Protein change: p.Val52Ile; replaces valine 52 with isoleucine.
Molecular consequence: missense variant.
Genome position (GRCh38, 1-based): chr8:86,230,124, C>T on the plus strand (G>A on the coding strand, the complement: SLC7A13 is on the minus strand). VCF-style: chr8-86230124-C-T. GRCh37 (hg19) VCF-style: chr8-87242353-C-T.
Other names: short protein forms V52I.
Identifiers: ClinVar variation 2739850 (VCV002739850.3), dbSNP rs139761067, ClinGen allele CA4797886.

ClinVar aggregate classification (germline): Uncertain significance (1 of 4 stars; one submission).

Allele frequency attached by ClinVar (database versions not stated): ExAC 0.00014; TOPMed 0.00011; 1000 Genomes Project 30x 0.00016; gnomAD 0.00012; ESP Exome Variant Server 0.00031; 1000 Genomes Project 0.00020.

Submission:

Labcorp Genetics (formerly Invitae), Labcorp
Classification: Uncertain significance. Last evaluated: 2025-02-15. Review status: criteria provided, single submitter. Criteria: Invitae Variant Classification Sherloc (09022015). Collection method: clinical testing. Allele origin: germline.
Comment: This sequence change replaces valine, which is neutral and non-polar, with isoleucine, which is neutral and non-polar, at codon 52 of the SLC7A13 protein (p.Val52Ile). This variant is present in population databases (rs139761067, gnomAD 0.02%). This missense change has been observed in individual(s) with clinical features of mitochondrial disorders (PMID: 22494076). ClinVar contains an entry for this variant (Variation ID: 2739850). An algorithm developed to predict the effect of missense changes on protein structure and function outputs the following: PolyPhen-2: "Benign". The isoleucine amino acid residue is found in multiple mammalian species, which suggests that this missense change does not adversely affect protein function. In summary, the available evidence is currently insufficient to determine the role of this variant in disease. Therefore, it has been classified as a Variant of Uncertain Significance.

Literature cited by the submitters: PubMed 22494076.